The following is an entry in ClinVar:

ClinVar aggregate classification (germline): Uncertain significance (1 of 4 stars; one submission).

Conditions:
Focal segmental glomerulosclerosis 5 (FSGS5). Identifiers: Orphanet 656, MedGen C2750475, MONDO:0013191, OMIM 613237.

Allele frequency attached by ClinVar (database versions not stated): gnomAD 0.00001.
gnomAD v4.1: 7 of 1,549,308 alleles (0.00045%); highest among the groups gnomAD compares: South Asian, 0.0083%; no homozygotes.

Submission:

Neuberg Centre For Genomic Medicine, NCGM
Classification: Uncertain significance for Focal segmental glomerulosclerosis 5. Last evaluated: 2023-07-22. Review status: criteria provided, single submitter. Criteria: ACMG Guidelines, 2015. Collection method: clinical testing. Allele origin: germline. Inheritance: Autosomal dominant inheritance. Affected: yes.
Comment: The missense variant c.1221A>Tp.Lys407Asn in the INF2 gene has not been reported previously as a pathogenic variant nor as a benign variant, to our knowledge. The variant is reported with 0.003% allele frequency in gnomAD. The amino acid Lysine at position 407 is changed to a Asparagine changing protein sequence and it might alter its composition and physico-chemical properties. Computational evidence Polyphen, SIFT and MutationTaster predicts conflicting evidence on protein structure and function for this variant. For these reasons, this variant has been classified as Uncertain Significance.

NM_022489.4(INF2):c.1221A>T (p.Lys407Asn)

Gene: INF2 (inverted formin 2; plus strand). Cytogenetic location: 14q32.33.
Variant type: single nucleotide variant.
Coding change: c.1221A>T on transcript NM_022489.4 (MANE Select); coding-DNA position 1221, A replaced by T.
Protein change: p.Lys407Asn; replaces lysine 407 with asparagine.
Molecular consequence: missense variant.
Genome position (GRCh38, 1-based): chr14:104,707,488, A>T. VCF-style: chr14-104707488-A-T. GRCh37 (hg19) VCF-style: chr14-105173825-A-T.
Other names: c.1221A>T, p.Lys407Asn (NM_001031714.4, NM_001426862.1, NM_001426863.1 and 2 more transcripts); short protein forms K407N.
Identifiers: ClinVar variation 3242090 (VCV003242090.2), dbSNP rs1460129985.